The following is an entry in ClinVar:

NM_012275.3(IL36RN):c.240A>G (p.Leu80=)

Gene: IL36RN (interleukin 36 receptor antagonist; plus strand). Cytogenetic location: 2q14.1.
Variant type: single nucleotide variant.
Coding change: c.240A>G on transcript NM_012275.3 (MANE Select); coding-DNA position 240, A replaced by G.
Protein change: p.Leu80=; no amino-acid change (leucine 80 retained).
Molecular consequence: synonymous variant.
Genome position (GRCh38, 1-based): chr2:113,062,248, A>G. VCF-style: chr2-113062248-A-G. GRCh37 (hg19) VCF-style: chr2-113819825-A-G.
Other names: c.240A>G, p.Leu80= (NM_173170.1); c.240A>G (NM_012275.2).
Identifiers: ClinVar variation 1108227 (VCV001108227.12), dbSNP rs148271084, ClinGen allele CA1838393.

ClinVar aggregate classification (germline): Likely benign. Review status: criteria provided, multiple submitters, no conflicts (2 of 4 stars). 3 submissions from 3 submitters: Likely benign (2). 1 of the submissions does not count toward it. Last evaluated 2026-01-24.

Conditions:
IL36RN-related disorder. Also called: IL36RN-related condition.
Generalized pustular psoriasis. Identifiers: Orphanet 247353, MedGen C0343055, MONDO:0100491.

Allele frequency attached by ClinVar (database versions not stated): ExAC 0.00004; gnomAD 0.00005 and 0.00007; ESP Exome Variant Server 0.00008; gnomAD exomes 0.00008 and 0.00011; TOPMed 0.00008.
gnomAD v4.1: 57 of 1,613,928 alleles (0.0035%); highest among the groups gnomAD compares: Admixed American, 0.09%; 1 homozygote.

Submissions (3):

Labcorp Genetics (formerly Invitae), Labcorp
Classification: Likely benign for Generalized pustular psoriasis. Last evaluated: 2026-01-24. Review status: criteria provided, single submitter. Criteria: Invitae Variant Classification Sherloc (09022015). Collection method: clinical testing. Allele origin: germline.

Blueprint Genetics
Classification: Likely benign. Last evaluated: 2022-10-28. Review status: criteria provided, single submitter. Criteria: ACMG Guidelines, 2015. Collection method: clinical testing. Allele origin: germline.

PreventionGenetics, part of Exact Sciences
Classification: Likely benign for IL36RN-related condition. Last evaluated: 2019-09-26. Review status: no assertion criteria provided. Collection method: clinical testing. Allele origin: germline. Not counted in ClinVar's aggregate classification.
Comment: This variant is classified as likely benign based on ACMG/AMP sequence variant interpretation guidelines (Richards et al. 2015 PMID: 25741868, with internal and published modifications).